The following is an entry in ClinVar:

ClinVar aggregate classification (germline): Uncertain significance (1 of 4 stars; one submission).

Conditions:
Hereditary cancer-predisposing syndrome. Also called: Tumor predisposition; Hereditary Cancer Syndrome; Hereditary neoplastic syndrome; Neoplastic Syndromes, Hereditary. Identifiers: Orphanet 140162, MedGen C0027672, MeSH D009386, MONDO:0015356.

Submission:

Ambry Genetics
Classification: Uncertain significance for Hereditary cancer-predisposing syndrome. Last evaluated: 2023-12-08. Review status: criteria provided, single submitter. Criteria: Ambry Variant Classification Scheme 2023. Collection method: clinical testing. Allele origin: germline.
Comment: The p.K2148Q variant (also known as c.6442A>C), located in coding exon 43 of the ATM gene, results from an A to C substitution at nucleotide position 6442. The lysine at codon 2148 is replaced by glutamine, an amino acid with similar properties. This amino acid position is conserved. In addition, this alteration is predicted to be tolerated by in silico analysis. Since supporting evidence is limited at this time, the clinical significance of this alteration remains unclear.

NM_000051.4(ATM):c.6442A>C (p.Lys2148Gln)

Genes: ATM (ATM serine/threonine kinase; plus strand), C11orf65 (chromosome 11 open reading frame 65; minus strand). Cytogenetic location: 11q22.3.
Variant type: single nucleotide variant.
Coding change: c.6442A>C on transcript NM_000051.4 (MANE Select); coding-DNA position 6442, A replaced by C.
Protein change: p.Lys2148Gln; replaces lysine 2148 with glutamine.
Molecular consequence: missense variant. On other transcripts: intron variant (2).
Genome position (GRCh38, 1-based): chr11:108,320,048, A>C. VCF-style: chr11-108320048-A-C. GRCh37 (hg19) VCF-style: chr11-108190775-A-C.
Other names: c.6442A>C, p.Lys2148Gln (NM_001351834.2); c.641-10977T>G (NM_001330368.2); c.*39-10977T>G (NM_001351110.2); short protein forms K2148Q.
Identifiers: ClinVar variation 3222349 (VCV003222349.1), dbSNP rs2136222373, ClinGen allele CA382553620.